The following is an entry in ClinVar:

NM_002778.4(PSAP):c.1456C>T (p.His486Tyr)

Gene: PSAP (prosaposin; minus strand). Cytogenetic location: 10q22.1.
Variant type: single nucleotide variant.
Coding change: c.1456C>T on transcript NM_002778.4 (MANE Select); coding-DNA position 1456, C replaced by T.
Protein change: p.His486Tyr; replaces histidine 486 with tyrosine.
Molecular consequence: missense variant.
Genome position (GRCh38, 1-based): chr10:71,818,700, G>A on the plus strand (C>T on the coding strand, the complement: PSAP is on the minus strand). VCF-style: chr10-71818700-G-A. GRCh37 (hg19) VCF-style: chr10-73578457-G-A.
Other names: c.1465C>T, p.His489Tyr (NM_001042465.3); c.1462C>T, p.His488Tyr (NM_001042466.3); short protein forms H486Y, H489Y, H488Y.
Identifiers: ClinVar variation 300508 (VCV000300508.7), dbSNP rs749660716, ClinGen allele CA5547329.

ClinVar aggregate classification (germline): Conflicting classifications of pathogenicity. Review status: criteria provided, conflicting classifications (1 of 4 stars). 6 submissions from 3 submitters: Uncertain significance (5); Likely benign (1). Last evaluated 2022-08-16.

Conditions:
Krabbe disease due to saposin A deficiency. Also called: Saposin A Deficiency; KRABBE DISEASE, ATYPICAL, DUE TO SAPOSIN A DEFICIENCY. Identifiers: Orphanet 487, MedGen C2673266, MONDO:0012720, OMIM 611722.
Combined PSAP deficiency (PSAPD). Also called: COMBINED SAP DEFICIENCY; PROSAPOSIN DEFICIENCY; Encephalopathy due to prosaposin deficiency. Identifiers: Orphanet 139406, MedGen C2673635, MONDO:0012719, OMIM 611721.
Inborn genetic diseases. Identifiers: MedGen C0950123, MeSH D030342.
Gaucher disease due to saposin C deficiency. Also called: Atypical Gaucher disease due to saposin C deficiency; Saposin C Deficiency. Identifiers: Orphanet 309252, Orphanet 355, MedGen C1864651, MONDO:0012517, OMIM 610539.
Sphingolipid activator protein 1 deficiency. Also called: Saposin B Deficiency; METACHROMATIC LEUKODYSTROPHY DUE TO CEREBROSIDE SULFATASE ACTIVATOR DEFICIENCY; Metachromatic leukodystrophy due to saposin B deficiency. Identifiers: Orphanet 512, MedGen C0268262, MONDO:0009590, OMIM 249900.

Allele frequency attached by ClinVar (database versions not stated): ExAC 0.00002; gnomAD exomes 0.00004 and 0.00006; gnomAD 0.00007 and 0.00008; TOPMed 0.00007.

Submissions (6):

Labcorp Genetics (formerly Invitae), Labcorp
Classification: Uncertain significance for Sphingolipid activator protein 1 deficiency. Last evaluated: 2022-08-16. Review status: criteria provided, single submitter. Criteria: Invitae Variant Classification Sherloc (09022015). Collection method: clinical testing. Allele origin: germline.
Comment: This sequence change replaces histidine, which is basic and polar, with tyrosine, which is neutral and polar, at codon 486 of the PSAP protein (p.His486Tyr). This variant is present in population databases (rs749660716, gnomAD 0.006%). This variant has not been reported in the literature in individuals affected with PSAP-related conditions. ClinVar contains an entry for this variant (Variation ID: 300508). Algorithms developed to predict the effect of missense changes on protein structure and function output the following: SIFT: "Not Available"; PolyPhen-2: "Benign"; Align-GVGD: "Not Available". The tyrosine amino acid residue is found in multiple mammalian species, which suggests that this missense change does not adversely affect protein function. In summary, the available evidence is currently insufficient to determine the role of this variant in disease. Therefore, it has been classified as a Variant of Uncertain Significance.

Ambry Genetics
Classification: Uncertain significance for Inborn genetic diseases. Last evaluated: 2021-03-19. Review status: criteria provided, single submitter. Criteria: Ambry Variant Classification Scheme 2023. Collection method: clinical testing. Allele origin: germline.
Comment: The c.1456C>T (p.H486Y) alteration is located in exon 13 (coding exon 13) of the PSAP gene. This alteration results from a C to T substitution at nucleotide position 1456, causing the histidine (H) at amino acid position 486 to be replaced by a tyrosine (Y). The p.H486Y alteration is predicted to be tolerated by in silico analysis. Based on insufficient or conflicting evidence, the clinical significance of this alteration remains unclear.

Illumina Laboratory Services, Illumina
Classification: Likely benign for Gaucher disease due to saposin C deficiency. Last evaluated: 2018-01-13. Review status: criteria provided, single submitter. Criteria: ICSL Variant Classification Criteria 13 December 2019. Collection method: clinical testing. Allele origin: germline.
Comment: This variant was observed in the ICSL laboratory as part of a predisposition screen in an ostensibly healthy population. It had not been previously curated by ICSL or reported in the Human Gene Mutation Database (HGMD: prior to June 1st, 2018), and was therefore a candidate for classification through an automated scoring system. Utilizing variant allele frequency, disease prevalence and penetrance estimates, and inheritance mode, an automated score was calculated to assess if this variant is too frequent to cause the disease. Based on the score and internal cut-off values, a variant classified as likely benign is not then subjected to further curation. The score for this variant resulted in a classification of likely benign for this disease.

Illumina Laboratory Services, Illumina
Classification: Uncertain significance for Sphingolipid activator protein 1 deficiency. Last evaluated: 2018-01-13. Review status: criteria provided, single submitter. Criteria: ICSL Variant Classification Criteria 13 December 2019. Collection method: clinical testing. Allele origin: germline.

Illumina Laboratory Services, Illumina
Classification: Uncertain significance for Combined PSAP deficiency. Last evaluated: 2018-01-13. Review status: criteria provided, single submitter. Criteria: ICSL Variant Classification Criteria 13 December 2019. Collection method: clinical testing. Allele origin: germline.

Illumina Laboratory Services, Illumina
Classification: Uncertain significance for Krabbe disease due to saposin A deficiency. Last evaluated: 2018-01-13. Review status: criteria provided, single submitter. Criteria: ICSL Variant Classification Criteria 13 December 2019. Collection method: clinical testing. Allele origin: germline.